The following is an entry in ClinVar:

ClinVar aggregate classification (germline): Likely pathogenic (1 of 4 stars; one submission).

Conditions:
Hereditary spastic paraplegia 4. Also called: Spastic Paraplegia 4; Spastic paraplegia 4, autosomal dominant; Familial spastic paraplegia autosomal dominant 2. Identifiers: Orphanet 100985, MedGen C1866855, MONDO:0008438, OMIM 182601.

Submission:

MVZ Medizinische Genetik Mainz
Classification: Likely pathogenic for Hereditary spastic paraplegia 4. Last evaluated: 2026-08-12. Review status: criteria provided, single submitter. Criteria: UK Practice Guidelines For Variant Classification V4 01 2020. Collection method: clinical testing. Allele origin: germline. Inheritance: Autosomal dominant inheritance. Affected: yes. Observed: 1 variant allele.
Comment: ACMG Criteria: PM1,PM5,PP3_MOD,PM2_SUP,PP2

NM_014946.4(SPAST):c.1551G>C (p.Leu517Phe)

Gene: SPAST (spastin; plus strand). Cytogenetic location: 2p22.3.
Variant type: single nucleotide variant.
Coding change: c.1551G>C on transcript NM_014946.4 (MANE Select); coding-DNA position 1551, G replaced by C.
Protein change: p.Leu517Phe; replaces leucine 517 with phenylalanine.
Molecular consequence: missense variant.
Genome position (GRCh38, 1-based): chr2:32,143,350, G>C. VCF-style: chr2-32143350-G-C. GRCh37 (hg19) VCF-style: chr2-32368419-G-C.
Other names: c.1548G>C, p.Leu516Phe (NM_001363823.2); c.1452G>C, p.Leu484Phe (NM_001363875.2); c.1455G>C, p.Leu485Phe (NM_001377959.1, NM_199436.2); short protein forms L484F, L485F, L516F, L517F.
Identifiers: ClinVar variation 4887016 (VCV004887016.1).